The following is an entry in ClinVar:

NM_005120.3(MED12):c.5111G>A (p.Trp1704Ter)

Gene: MED12 (mediator complex subunit 12; plus strand). Cytogenetic location: Xq13.1.
Variant type: single nucleotide variant.
Coding change: c.5111G>A on transcript NM_005120.3 (MANE Select); coding-DNA position 5111, G replaced by A.
Protein change: p.Trp1704Ter; replaces tryptophan 1704 with a stop codon.
Molecular consequence: nonsense.
Genome position (GRCh38, 1-based): chrX:71,136,366, G>A. VCF-style: chrX-71136366-G-A. GRCh37 (hg19) VCF-style: chrX-70356216-G-A.
Other names: short protein forms W1704*.
Identifiers: ClinVar variation 1210249 (VCV001210249.3), dbSNP rs2147826070, ClinGen allele CA413533934.
Genomic context (GRCh38, chrX:71,136,366, plus strand): 5'-AGATCTCGCCCTGGGATCTTTTTGAGGGGTTGAAGCCGTCAGCACCACTCTCTTGGGGCT[G>A]GTTTGGAACAGTCCGAGTGGACCGGCGAGTGGCTCGAGGAGAGGAGCAGCAGCGGTTGCT-3'

ClinVar aggregate classification (germline): Pathogenic. Review status: no assertion criteria provided (0 of 4 stars). 2 submissions from 2 submitters: Pathogenic (1). 1 of the submissions does not count toward it. Last evaluated 2021-12-16.

Conditions:
Cholestasis-pigmentary retinopathy-cleft palate syndrome (HDKR). Also called: Hardikar Syndrome (HS). Identifiers: Orphanet 1415, MedGen C0795969, MeSH C535632, MONDO:0012997, OMIM 301068.
FG syndrome 1 (OKS). Also called: OPITZ-KAVEGGIA SYNDROME; KELLER SYNDROME; MENTAL RETARDATION, LARGE HEAD, IMPERFORATE ANUS, CONGENITAL HYPOTONIA, AND PARTIAL AGENESIS OF CORPUS CALLOSUM; FG Syndrome Type 1 (FGS1). Identifiers: Orphanet 93932, MedGen C5399762, MONDO:0010590, OMIM 305450.

Submissions (2):

OMIM
Classification: Pathogenic for HARDIKAR SYNDROME. Last evaluated: 2021-12-16. Review status: no assertion criteria provided. Collection method: literature only. Allele origin: germline.

GeneReviews
No classification provided. Condition: FG syndrome. Review status: no classification provided. Collection method: literature only. Allele origin: germline. Not counted in ClinVar's aggregate classification.

Literature cited by the submitters: PubMed 33244166 (cited by OMIM and GeneReviews); PubMed 9286458 (cited by OMIM); PubMed 20301719 (cited by GeneReviews).